The following is an entry in ClinVar:

NM_001164508.2(NEB):c.10497del (p.Gly3498_Tyr3499insTer)

Gene: NEB (nebulin; minus strand). Cytogenetic location: 2q23.3.
Variant type: Deletion.
Coding change: c.10497del on transcript NM_001164508.2 (MANE Select); coding-DNA position 10497, one base deleted (T; older notation c.10497delT).
Protein change: p.Gly3498_Tyr3499insTer.
Molecular consequence: nonsense.
Genome position (GRCh38, 1-based): chr2:151,620,982, A deleted on the plus strand (T on the coding strand, the reverse complement: NEB is on the minus strand). VCF-style (leftmost placement, unchanged base first): chr2-151620981-CA-C. GRCh37 (hg19) VCF-style: chr2-152477495-CA-C.
Other names: c.10497del, p.Gly3498_Tyr3499insTer (NM_001164507.2, NM_001271208.2); c.9768del, p.Gly3255_Tyr3256insTer (NM_004543.5).
Identifiers: ClinVar variation 1454998 (VCV001454998.6), dbSNP rs2154027821, ClinGen allele CA2573133405.
Genomic context (GRCh38, chr2:151,620,981, plus strand): 5'-CACTGGCAATATCCCGAGAGGCCTTGGCAGCCACAATGGGAATGGCATCACTTCTCAAGT[CA>C]TAGCCTTCTTTCTTGGCTTCTTCCATGGCCTGACGATAGAGGCTCTGAGGAAAGAAGGAG-3'

ClinVar aggregate classification (germline): Pathogenic (1 of 4 stars; one submission).

Conditions:
Nemaline myopathy 2 (NEM2). Also called: Nemaline myopathy 2, autosomal recessive. Identifiers: MedGen C1850569, MONDO:0009725, OMIM 256030.

Submission:

Labcorp Genetics (formerly Invitae), Labcorp
Classification: Pathogenic for Nemaline myopathy 2. Last evaluated: 2020-11-03. Review status: criteria provided, single submitter. Criteria: Invitae Variant Classification Sherloc (09022015). Collection method: clinical testing. Allele origin: germline.
Comment: This sequence change creates a premature translational stop signal (p.Tyr3499*) in the NEB gene. It is expected to result in an absent or disrupted protein product. Loss-of-function variants in NEB are known to be pathogenic (PMID: 25205138). For these reasons, this variant has been classified as Pathogenic. This variant has not been reported in the literature in individuals with NEB-related conditions. This variant is not present in population databases (ExAC no frequency).

Literature cited by the submitters: PubMed 25205138.